The following is an entry in ClinVar:

ClinVar aggregate classification (germline): Benign. Review status: reviewed by expert panel (3 of 4 stars). 2 submissions from 2 submitters: Benign (1). 1 of the submissions does not count toward it. Last evaluated 2015-01-12.

Conditions:
Breast-ovarian cancer, familial, susceptibility to, 1 (BROVCA1). Also called: BRCA1 Hereditary Breast and Ovarian Cancer; OVARIAN CANCER, SUSCEPTIBILITY TO. Identifiers: Orphanet 145, MedGen C2676676, MONDO:0011450, OMIM 604370. Disease mechanism: loss of function.

Allele frequency attached by ClinVar (database versions not stated): 1000 Genomes Project 30x 0.97954; 1000 Genomes Project 0.98023; TOPMed 0.99429; gnomAD 0.99499 and 0.99637.
gnomAD v4.1: 151,573 of 152,326 alleles (100%); highest among the groups gnomAD compares: African/African-American, 100%; 75,441 homozygotes.

Submissions (2):

Evidence-based Network for the Interpretation of Germline Mutant Alleles (ENIGMA)
Classification: Benign for Breast-ovarian cancer, familial 1. Last evaluated: 2015-01-12. Review status: reviewed by expert panel. Criteria: ENIGMA BRCA1/2 Classification Criteria (2015). Collection method: curation. Allele origin: germline.
Comment: Class 1 not pathogenic based on frequency >1% in an outbred sampleset. Frequency 0.8706 (Asian), derived from 1000 genomes (2012-04-30).

Breakthrough Genomics
Classification: Benign. Review status: criteria provided, single submitter. Criteria: ACMG Guidelines, 2015. Collection method: not provided. Allele origin: germline. Inheritance: Autosomal recessive inheritance. Affected: yes. Not counted in ClinVar's aggregate classification.

NM_007294.4(BRCA1):c.4357+2077C>G

Gene: BRCA1 (BRCA1 DNA repair associated; minus strand). Cytogenetic location: 17q21.31.
Variant type: single nucleotide variant.
Coding change: c.4357+2077C>G on transcript NM_007294.4 (MANE Select); 2077 bases into the intron after coding-DNA position 4357, C replaced by G.
Molecular consequence: intron variant.
Genome position (GRCh38, 1-based): chr17:43,080,327, G>C on the plus strand (C>G on the coding strand, the complement: BRCA1 is on the minus strand). VCF-style: chr17-43080327-G-C. GRCh37 (hg19) VCF-style: chr17-41232344-G-C.
Other names: IVS 13+2077C>G; c.922+2077C>G (NM_001408448.1, NM_001408445.1, NM_001408432.1 and 10 more transcripts); c.928+2077C>G (NM_001408421.1, NM_001408431.1, NM_001408424.1); c.1045+2077C>G (NM_001407991.1, NM_001408473.1, NM_001408399.1 and 17 more transcripts); c.4351+2077C>G (NM_001407631.1, NM_001407645.1, NM_001407628.1 and 5 more transcripts); c.4354+2077C>G (NM_001407638.1, NM_001407637.1, NM_001407860.1 and 18 more transcripts); c.925+2077C>G (NM_001408427.1, NM_001408439.1, NM_001408425.1 and 8 more transcripts); c.4234+2077C>G (NM_001407668.1, NM_001407680.1, NM_001407664.1 and 12 more transcripts); and 61 more.
Identifiers: ClinVar variation 209929 (VCV000209929.3), dbSNP rs6416927, ClinGen allele CA276896.
Genomic context (GRCh38, chr17:43,080,327, plus strand): 5'-TGGAAGACAACAGATATTAAGAAATAATAAACTAGGCCAGGCACCGTAGCTCCCAAGTAG[G>C]TGGGATTACAGGCATGTGCCACCACGCCCGGCTAATTTTTTGTAGTTTTAGTAGAGATGT-3'